The following is an entry in ClinVar:

ClinVar aggregate classification (germline): Uncertain significance. Review status: criteria provided, multiple submitters, no conflicts (2 of 4 stars). 3 submissions from 3 submitters: Uncertain significance (3). Last evaluated 2026-03-27.

Conditions:
Leber congenital amaurosis 6 (LCA6). Identifiers: Orphanet 65, MedGen C1854260, MONDO:0013446, OMIM 613826.
Cone-rod dystrophy 13 (CORD13). Identifiers: Orphanet 1872, MedGen C2750720, MONDO:0011987, OMIM 608194.
RPGRIP1-related disorder. Also called: RPGRIP1-related condition.

gnomAD v4.1: 43 of 1,613,904 alleles (0.0027%); highest among the groups gnomAD compares: South Asian, 0.0066%; no homozygotes.

Submissions (3):

PreventionGenetics, part of Exact Sciences
Classification: Uncertain significance for RPGRIP1-related condition. Last evaluated: 2026-03-27. Review status: criteria provided, single submitter. Criteria: ACMG Guidelines, 2015. Collection method: clinical testing. Allele origin: germline.
Comment: The RPGRIP1 c.2098C>T variant is predicted to result in the amino acid substitution p.Arg700Trp. To our knowledge, this variant has not been reported in the literature. This variant is reported in 0.0098% of alleles in individuals of South Asian descent in gnomAD. At this time, the clinical significance of this variant is uncertain due to the absence of conclusive functional and genetic evidence.

Labcorp Genetics (formerly Invitae), Labcorp
Classification: Uncertain significance for Leber congenital amaurosis 6; Cone-rod dystrophy 13. Last evaluated: 2025-01-13. Review status: criteria provided, single submitter. Criteria: Invitae Variant Classification Sherloc (09022015). Collection method: clinical testing. Allele origin: germline.
Comment: This sequence change replaces arginine, which is basic and polar, with tryptophan, which is neutral and slightly polar, at codon 700 of the RPGRIP1 protein (p.Arg700Trp). This variant is present in population databases (rs775239691, gnomAD 0.01%). This variant has not been reported in the literature in individuals affected with RPGRIP1-related conditions. ClinVar contains an entry for this variant (Variation ID: 1521511). Invitae Evidence Modeling of protein sequence and biophysical properties (such as structural, functional, and spatial information, amino acid conservation, physicochemical variation, residue mobility, and thermodynamic stability) indicates that this missense variant is not expected to disrupt RPGRIP1 protein function with a negative predictive value of 80%. In summary, the available evidence is currently insufficient to determine the role of this variant in disease. Therefore, it has been classified as a Variant of Uncertain Significance.

Blueprint Genetics
Classification: Uncertain significance. Last evaluated: 2024-06-25. Review status: criteria provided, single submitter. Criteria: ACMG Guidelines, 2015. Collection method: clinical testing. Allele origin: germline.

NM_020366.4(RPGRIP1):c.2098C>T (p.Arg700Trp)

Gene: RPGRIP1 (RPGR interacting protein 1; plus strand). Cytogenetic location: 14q11.2.
Variant type: single nucleotide variant.
Coding change: c.2098C>T on transcript NM_020366.4 (MANE Select); coding-DNA position 2098, C replaced by T.
Protein change: p.Arg700Trp; replaces arginine 700 with tryptophan.
Molecular consequence: missense variant. On other transcripts: intron variant (4).
Genome position (GRCh38, 1-based): chr14:21,324,953, C>T. VCF-style: chr14-21324953-C-T. GRCh37 (hg19) VCF-style: chr14-21793112-C-T.
Other names: c.1024C>T, p.Arg342Trp (NM_001377948.1); c.796+228C>T (NM_001377949.1); c.689-2670C>T (NM_001377523.1, NM_001377950.1); c.191-2670C>T (NM_001377951.1); c.2098C>T (NM_020366.3); short protein forms R342W, R700W.
Identifiers: ClinVar variation 1521511 (VCV001521511.6), dbSNP rs775239691, ClinGen allele CA7089152.